The following is an entry in ClinVar:

ClinVar aggregate classification (germline): Uncertain significance (1 of 4 stars; one submission).

Allele frequency attached by ClinVar (database versions not stated): gnomAD exomes below 0.00001; gnomAD 0.00001; TOPMed 0.00002; 1000 Genomes Project 30x 0.00016.
gnomAD v4.1: 2 of 1,614,084 alleles (0.00012%); highest among the groups gnomAD compares: African/African-American, 0.0027%; no homozygotes.

Submission:

Labcorp Genetics (formerly Invitae), Labcorp
Classification: Uncertain significance. Last evaluated: 2022-11-15. Review status: criteria provided, single submitter. Criteria: Invitae Variant Classification Sherloc (09022015). Collection method: clinical testing. Allele origin: germline.
Comment: This variant is present in population databases (no rsID available, gnomAD 0.007%). In summary, the available evidence is currently insufficient to determine the role of this variant in disease. Therefore, it has been classified as a Variant of Uncertain Significance. Algorithms developed to predict the effect of missense changes on protein structure and function output the following: SIFT: "Tolerated"; PolyPhen-2: "Benign"; Align-GVGD: "Class C0". The glutamic acid amino acid residue is found in multiple mammalian species, which suggests that this missense change does not adversely affect protein function. This variant has not been reported in the literature in individuals affected with ADGRE2-related conditions. This sequence change replaces lysine, which is basic and polar, with glutamic acid, which is acidic and polar, at codon 596 of the ADGRE2 protein (p.Lys596Glu).

NM_013447.4(ADGRE2):c.1786A>G (p.Lys596Glu)

Gene: ADGRE2 (adhesion G protein-coupled receptor E2; minus strand). Cytogenetic location: 19p13.12.
Variant type: single nucleotide variant.
Coding change: c.1786A>G on transcript NM_013447.4 (MANE Select); coding-DNA position 1786, A replaced by G.
Protein change: p.Lys596Glu; replaces lysine 596 with glutamic acid.
Molecular consequence: missense variant.
Genome position (GRCh38, 1-based): chr19:14,752,331, T>C on the plus strand (A>G on the coding strand, the complement: ADGRE2 is on the minus strand). VCF-style: chr19-14752331-T-C. GRCh37 (hg19) VCF-style: chr19-14863143-T-C.
Other names: c.1612A>G, p.Lys538Glu (NM_001271052.1); c.1639A>G, p.Lys547Glu (NM_152916.2); c.1507A>G, p.Lys503Glu (NM_152917.2); short protein forms K503E, K547E, K596E, K538E.
Identifiers: ClinVar variation 2803567 (VCV002803567.3), dbSNP rs903730021, ClinGen allele CA305701747.